The following is an entry in ClinVar:

NM_001378452.1(ITPR1):c.6817G>A (p.Val2273Met)

Gene: ITPR1 (inositol 1,4,5-trisphosphate receptor type 1; plus strand). Cytogenetic location: 3p26.1.
Variant type: single nucleotide variant.
Coding change: c.6817G>A on transcript NM_001378452.1 (MANE Select); coding-DNA position 6817, G replaced by A.
Protein change: p.Val2273Met; replaces valine 2273 with methionine.
Molecular consequence: missense variant.
Genome position (GRCh38, 1-based): chr3:4,795,073, G>A. VCF-style: chr3-4795073-G-A. GRCh37 (hg19) VCF-style: chr3-4836757-G-A.
Other names: c.6673G>A (NM_001099952.2); c.6673G>A, p.Val2225Met (NM_001099952.4); c.6772G>A, p.Val2258Met (NM_001168272.2); c.6628G>A, p.Val2210Met (NM_002222.7); short protein forms V2210M, V2273M, V2225M, V2258M.
Identifiers: ClinVar variation 902788 (VCV000902788.13), dbSNP rs767779223, ClinGen allele CA2232698.

ClinVar aggregate classification (germline): Uncertain significance. Review status: criteria provided, multiple submitters, no conflicts (2 of 4 stars). 6 submissions from 6 submitters: Uncertain significance (6). Last evaluated 2026-03-26.

Conditions:
Spinocerebellar ataxia type 29 (SCA29). Also called: Spinocerebellar ataxia 29, congenital nonprogressive; CEREBELLAR ATAXIA, CONGENITAL NONPROGRESSIVE, AUTOSOMAL DOMINANT. Identifiers: Orphanet 208513, MedGen C1861732, MONDO:0007298, OMIM 117360.
Spinocerebellar ataxia type 15/16 (SCA15). Also called: Spinocerebellar Ataxia Type 15. Identifiers: Orphanet 98769, MedGen C1847725, MONDO:0011694, OMIM 606658.
Gillespie syndrome (GLSP). Also called: Aniridia, cerebellar ataxia, and mental deficiency; Aniridia-cerebellar ataxia-intellectual disability syndrome. Identifiers: OMIM 206700, Orphanet 1065, MedGen C0431401, MONDO:0008795.
Inborn genetic diseases. Identifiers: MedGen C0950123, MeSH D030342.
Autosomal dominant cerebellar ataxia. Also called: Spinocerebellar Ataxia, Dominant. Identifiers: Orphanet 99, MedGen C4087347, MONDO:0020380.

Allele frequency attached by ClinVar (database versions not stated): gnomAD exomes 0.00002; gnomAD 0.00002 and 0.00003; ExAC 0.00001; TOPMed 0.00002.
gnomAD v4.1: 49 of 1,611,822 alleles (0.003%); highest among the groups gnomAD compares: Middle Eastern, 0.017%; no homozygotes.

Submissions (6):

Dasa
Classification: Uncertain significance. Last evaluated: 2026-03-26. Review status: criteria provided, single submitter. Criteria: DASA Assertion Criteria. Collection method: clinical testing. Allele origin: germline.
Comment: NM_001378452.1(ITPR1):c.6817G>A (p.Val2273Met) is a missense variant that results in the substitution of valine with methionine. This variant is rare in population databases. The currently available literature and clinical evidence are not sufficient to establish a definitive association between this variant and the reported condition. Therefore, this variant is classified as a variant of uncertain significance.

Labcorp Genetics (formerly Invitae), Labcorp
Classification: Uncertain significance. Last evaluated: 2025-10-02. Review status: criteria provided, single submitter. Criteria: Invitae Variant Classification Sherloc (09022015). Collection method: clinical testing. Allele origin: germline.
Comment: This sequence change replaces valine, which is neutral and non-polar, with methionine, which is neutral and non-polar, at codon 2210 of the ITPR1 protein (p.Val2210Met). This variant is present in population databases (rs767779223, gnomAD 0.02%). This variant has not been reported in the literature in individuals affected with ITPR1-related conditions. ClinVar contains an entry for this variant (Variation ID: 902788). Invitae Evidence Modeling of protein sequence and biophysical properties (such as structural, functional, and spatial information, amino acid conservation, physicochemical variation, residue mobility, and thermodynamic stability) indicates that this missense variant is not expected to disrupt ITPR1 protein function with a negative predictive value of 95%. In summary, the available evidence is currently insufficient to determine the role of this variant in disease. Therefore, it has been classified as a Variant of Uncertain Significance.

GeneDx
Classification: Uncertain significance. Last evaluated: 2023-03-14. Review status: criteria provided, single submitter. Criteria: GeneDx Variant Classification Process June 2021. Collection method: clinical testing. Allele origin: germline. Affected: yes.
Comment: In silico analysis supports that this missense variant does not alter protein structure/function; Has not been previously published as pathogenic or benign to our knowledge

New York Genome Center
Classification: Uncertain significance for Gillespie syndrome; Spinocerebellar ataxia type 15/16; Spinocerebellar ataxia type 29. Last evaluated: 2022-08-31. Review status: criteria provided, single submitter. Criteria: NYGC Assertion Criteria 2020. Collection method: clinical testing. Allele origin: inherited. Observed: 1 heterozygote.

Ambry Genetics
Classification: Uncertain significance for Inborn genetic diseases. Last evaluated: 2021-05-24. Review status: criteria provided, single submitter. Criteria: Ambry Variant Classification Scheme 2023. Collection method: clinical testing. Allele origin: germline.

Illumina Laboratory Services, Illumina
Classification: Uncertain significance for Spinocerebellar Ataxia, Dominant. Last evaluated: 2018-01-12. Review status: criteria provided, single submitter. Criteria: ICSL Variant Classification Criteria 13 December 2019. Collection method: clinical testing. Allele origin: germline.